The following is an entry in ClinVar:

ClinVar aggregate classification (germline): Uncertain significance (1 of 4 stars; one submission).

Allele frequency attached by ClinVar (database versions not stated): ExAC 0.00002.
gnomAD v4.1: 1 of 1,604,132 alleles (0.000062%); highest among the groups gnomAD compares: Non-Finnish European, 0.000085%; no homozygotes.

Submission:

GeneDx
Classification: Uncertain significance. Last evaluated: 2022-02-25. Review status: criteria provided, single submitter. Criteria: GeneDx Variant Classification Process June 2021. Collection method: clinical testing. Allele origin: germline. Affected: yes.
Comment: Not observed at significant frequency in large population cohorts (gnomAD); In silico analysis supports that this missense variant does not alter protein structure/function; Has not been previously published as pathogenic or benign to our knowledge

NM_018896.5(CACNA1G):c.1724C>G (p.Ser575Cys)

Gene: CACNA1G (calcium voltage-gated channel subunit alpha1 G; plus strand). Cytogenetic location: 17q21.33.
Variant type: single nucleotide variant.
Coding change: c.1724C>G on transcript NM_018896.5 (MANE Select); coding-DNA position 1724, C replaced by G.
Protein change: p.Ser575Cys; replaces serine 575 with cysteine.
Molecular consequence: missense variant. On other transcripts: non-coding transcript variant (5).
Genome position (GRCh38, 1-based): chr17:50,576,126, C>G. VCF-style: chr17-50576126-C-G. GRCh37 (hg19) VCF-style: chr17-48653487-C-G.
Other names: c.1724C>G, p.Ser575Cys (NM_001256324.2, NM_001256325.2, NM_001256326.2 and 24 more transcripts); short protein forms S575C.
Identifiers: ClinVar variation 1704117 (VCV001704117.2), dbSNP rs764951130, ClinGen allele CA8652226.